The following is an entry in ClinVar:

NM_001127511.3(APC):c.-148A>C

Gene: APC (APC regulator of Wnt signaling pathway; plus strand). Cytogenetic location: 5q22.2.
Variant type: single nucleotide variant.
Coding change: c.-148A>C on transcript NM_001127511.3; 148 bases upstream of the start codon, A replaced by C.
Molecular consequence: 5 prime UTR variant. On other transcripts: non-coding transcript variant (2).
Genome position (GRCh38, 1-based): chr5:112,707,570, A>C. VCF-style: chr5-112707570-A-C. GRCh37 (hg19) VCF-style: chr5-112043267-A-C.
Other names: c.-331A>C (NM_001354895.2, NM_001407447.1, NM_001407452.1 and 3 more transcripts); c.-148A>C (NM_001354897.2, NM_001354902.2, NM_001407446.1); c.-98A>C (NM_001407448.1, NM_001407450.1, NM_001407457.1 and 1 more transcripts); c.-122A>C (NM_001407453.1); c.-1366A>C (NM_001407470.1, NM_001407472.1).
Identifiers: ClinVar variation 661580 (VCV000661580.9), dbSNP rs953056092, ClinGen allele CA124924909.

ClinVar aggregate classification (germline): Uncertain significance (1 of 4 stars; one submission).

Conditions:
Familial adenomatous polyposis 1 (FAP1). Also called: FAMILIAL ADENOMATOUS POLYPOSIS 1, ATTENUATED; POLYPOSIS, ADENOMATOUS INTESTINAL. Identifiers: MedGen C2713442, MONDO:0021056, OMIM 175100. Disease mechanism: loss of function.

Allele frequency attached by ClinVar (database versions not stated): gnomAD 0.00003; TOPMed 0.00004.
gnomAD v4.1: 9 of 791,550 alleles (0.0011%); highest among the groups gnomAD compares: African/African-American, 0.01%; no homozygotes.

Submission:

Labcorp Genetics (formerly Invitae), Labcorp
Classification: Uncertain significance for Familial adenomatous polyposis 1. Last evaluated: 2026-01-16. Review status: criteria provided, single submitter. Criteria: Invitae Variant Classification Sherloc (09022015). Collection method: clinical testing. Allele origin: germline.
Comment: This variant occurs in a non-coding region of the APC gene. It does not change the encoded amino acid sequence of the APC protein. This variant is present in population databases (no rsID available, gnomAD 0.01%). This variant has not been reported in the literature in individuals affected with APC-related conditions. ClinVar contains an entry for this variant (Variation ID: 661580). Experimental studies and prediction algorithms are not available or were not evaluated, and the functional significance of this variant is currently unknown. In summary, the available evidence is currently insufficient to determine the role of this variant in disease. Therefore, it has been classified as a Variant of Uncertain Significance.